The following is an entry in ClinVar:

ClinVar aggregate classification (germline): Uncertain significance (1 of 4 stars; one submission).

Conditions:
Cenani-Lenz syndactyly syndrome. Also called: CENANI SYNDACTYLISM; SYNDACTYLY, TYPE VII. Identifiers: Orphanet 3258, MedGen C1859309, MONDO:0008931, OMIM 212780.
Sclerosteosis 2 (SOST2). Identifiers: Orphanet 3152, MedGen C3280402, MONDO:0013679, OMIM 614305.
Congenital myasthenic syndrome 17. Identifiers: Orphanet 590, MedGen C4225377, MONDO:0014578, OMIM 616304.

Allele frequency attached by ClinVar (database versions not stated): TOPMed below 0.00001; gnomAD 0.00001.

Submission:

Labcorp Genetics (formerly Invitae), Labcorp
Classification: Uncertain significance for Cenani-Lenz syndactyly syndrome; Sclerosteosis 2; Congenital myasthenic syndrome 17. Last evaluated: 2022-07-26. Review status: criteria provided, single submitter. Criteria: Invitae Variant Classification Sherloc (09022015). Collection method: clinical testing. Allele origin: germline.
Comment: This sequence change replaces tryptophan, which is neutral and slightly polar, with glycine, which is neutral and non-polar, at codon 419 of the LRP4 protein (p.Trp419Gly). This variant is not present in population databases (gnomAD no frequency). This variant has not been reported in the literature in individuals affected with LRP4-related conditions. ClinVar contains an entry for this variant (Variation ID: 535800). Algorithms developed to predict the effect of missense changes on protein structure and function are either unavailable or do not agree on the potential impact of this missense change (SIFT: "Deleterious"; PolyPhen-2: "Benign"; Align-GVGD: "Class C0"). In summary, the available evidence is currently insufficient to determine the role of this variant in disease. Therefore, it has been classified as a Variant of Uncertain Significance.

NM_002334.4(LRP4):c.1255T>G (p.Trp419Gly)

Gene: LRP4 (LDL receptor related protein 4; minus strand). Cytogenetic location: 11p11.2.
Variant type: single nucleotide variant.
Coding change: c.1255T>G on transcript NM_002334.4 (MANE Select); coding-DNA position 1255, T replaced by G.
Protein change: p.Trp419Gly; replaces tryptophan 419 with glycine.
Molecular consequence: missense variant.
Genome position (GRCh38, 1-based): chr11:46,895,220, A>C on the plus strand (T>G on the coding strand, the complement: LRP4 is on the minus strand). VCF-style: chr11-46895220-A-C. GRCh37 (hg19) VCF-style: chr11-46916771-A-C.
Other names: short protein forms W419G.
Identifiers: ClinVar variation 535800 (VCV000535800.10), dbSNP rs1032020389, ClinGen allele CA221648153.